The following is an entry in ClinVar:

NM_001371333.1(DIABLO):c.175A>G (p.Ile59Val)

Gene: DIABLO (diablo IAP-binding mitochondrial protein; minus strand). Cytogenetic location: 12q24.31.
Variant type: single nucleotide variant.
Coding change: c.175A>G on transcript NM_001371333.1 (MANE Select); coding-DNA position 175, A replaced by G.
Protein change: p.Ile59Val; replaces isoleucine 59 with valine.
Molecular consequence: missense variant. On other transcripts: intron variant (4).
Genome position (GRCh38, 1-based): chr12:122,224,520, T>C on the plus strand (A>G on the coding strand, the complement: DIABLO is on the minus strand). VCF-style: chr12-122224520-T-C. GRCh37 (hg19) VCF-style: chr12-122709067-T-C.
Other names: c.175A>G, p.Ile59Val (NM_001278342.1, NM_019887.6); c.-37+1445A>G (NM_001278303.1); c.24+125A>G (NM_001278302.1, NM_138930.3, NM_001278304.2); short protein forms I59V.
Identifiers: ClinVar variation 227299 (VCV000227299.13), dbSNP rs574777883, ClinGen allele CA6844013.

ClinVar aggregate classification (germline): Conflicting classifications of pathogenicity. Review status: criteria provided, conflicting classifications (1 of 4 stars). 5 submissions from 5 submitters: Uncertain significance (1); Likely benign (4). Last evaluated 2026-03-05.

Conditions:
DIABLO-related disorder. Also called: DIABLO-related condition.

Allele frequency attached by ClinVar (database versions not stated): gnomAD 0.00009 and 0.00011; TOPMed 0.00009; ExAC 0.00012; 1000 Genomes Project 30x 0.00031; 1000 Genomes Project 0.00040.

Submissions (5):

PreventionGenetics, part of Exact Sciences
Classification: Likely benign for DIABLO-related condition. Last evaluated: 2026-03-05. Review status: criteria provided, single submitter. Criteria: ACMG Guidelines, 2015. Collection method: clinical testing. Allele origin: germline.
Comment: This variant is classified as likely benign based on ACMG/AMP sequence variant interpretation guidelines (Richards et al. 2015 PMID: 25741868, with internal and published modifications).

Ambry Genetics
Classification: Uncertain significance. Last evaluated: 2025-08-12. Review status: criteria provided, single submitter. Criteria: Ambry Variant Classification Scheme 2023. Collection method: clinical testing. Allele origin: germline.

Labcorp Genetics (formerly Invitae), Labcorp
Classification: Likely benign. Last evaluated: 2025-05-23. Review status: criteria provided, single submitter. Criteria: Invitae Variant Classification Sherloc (09022015). Collection method: clinical testing. Allele origin: germline.

GeneDx
Classification: Likely benign. Last evaluated: 2021-02-19. Review status: criteria provided, single submitter. Criteria: GeneDx Variant Classification Process June 2021. Collection method: clinical testing. Allele origin: germline. Affected: yes.

Laboratory for Molecular Medicine, Mass General Brigham Personalized Medicine
Classification: Likely benign. Last evaluated: 2015-10-02. Review status: criteria provided, single submitter. Criteria: LMM Criteria. Collection method: clinical testing. Allele origin: germline. Observed: 1 variant allele.
Comment: p.Ile59Val in exon 3 of DIABLO: This variant is not expected to have clinical si gnificance due to a lack of conservation across species, including mammals. Of n ote, 3 mammals (Star-nosed mole, Egyptian jerboa, bush-tailed rat) have a Valine (Val) at this position despite high nearby amino acid conservation. In addition , computational prediction tools do not suggest a high likelihood of impact to t he protein. This variant has been identified in 0.1% (11/8654) of East Asian chr omosomes by the Exome Aggregation Consortium (ExAC, rg; dbSNP rs574777883).